The following is an entry in ClinVar:

NM_013432.5(TONSL):c.176G>T (p.Arg59Leu)

Gene: TONSL (tonsoku like, DNA repair protein; minus strand). Cytogenetic location: 8q24.3.
Variant type: single nucleotide variant.
Coding change: c.176G>T on transcript NM_013432.5 (MANE Select); coding-DNA position 176, G replaced by T.
Protein change: p.Arg59Leu; replaces arginine 59 with leucine.
Molecular consequence: missense variant.
Genome position (GRCh38, 1-based): chr8:144,443,970, C>A on the plus strand (G>T on the coding strand, the complement: TONSL is on the minus strand). VCF-style: chr8-144443970-C-A. GRCh37 (hg19) VCF-style: chr8-145669353-C-A.
Other names: short protein forms R59L.
Identifiers: ClinVar variation 1939439 (VCV001939439.2), dbSNP rs1271373530, ClinGen allele CA372679524.

ClinVar aggregate classification (germline): Uncertain significance (1 of 4 stars; one submission).

gnomAD v4.1: 19 of 1,541,632 alleles (0.0012%); highest among the groups gnomAD compares: Non-Finnish European, 0.0017%; no homozygotes.

Submission:

Labcorp Genetics (formerly Invitae), Labcorp
Classification: Uncertain significance. Last evaluated: 2022-05-28. Review status: criteria provided, single submitter. Criteria: Invitae Variant Classification Sherloc (09022015). Collection method: clinical testing. Allele origin: germline.
Comment: This sequence change replaces arginine, which is basic and polar, with leucine, which is neutral and non-polar, at codon 59 of the TONSL protein (p.Arg59Leu). This variant is present in population databases (no rsID available, gnomAD 0.004%). This variant has not been reported in the literature in individuals affected with TONSL-related conditions. Algorithms developed to predict the effect of missense changes on protein structure and function are either unavailable or do not agree on the potential impact of this missense change (SIFT: "Deleterious"; PolyPhen-2: "Benign"; Align-GVGD: "Class C0"). In summary, the available evidence is currently insufficient to determine the role of this variant in disease. Therefore, it has been classified as a Variant of Uncertain Significance.